The following is an entry in ClinVar:

ClinVar aggregate classification (germline): Benign (1 of 4 stars; one submission).

Allele frequency attached by ClinVar (database versions not stated): 1000 Genomes Project 0.29692; 1000 Genomes Project 30x 0.30278; TOPMed 0.34606; gnomAD 0.34988 and 0.35233.
gnomAD v4.1: 53,170 of 152,064 alleles (35%); highest among the groups gnomAD compares: Admixed American, 39%; 9,648 homozygotes.

Submission:

GeneDx
Classification: Benign. Last evaluated: 2018-06-14. Review status: criteria provided, single submitter. Criteria: GeneDx Variant Classification (06012015). Collection method: clinical testing. Allele origin: germline. Affected: yes.
Comment: This variant is considered likely benign or benign based on one or more of the following criteria: it is a conservative change, it occurs at a poorly conserved position in the protein, it is predicted to be benign by multiple in silico algorithms, and/or has population frequency not consistent with disease.

NM_020297.4(ABCC9):c.285-266A>G

Gene: ABCC9 (ATP binding cassette subfamily C member 9; minus strand). Cytogenetic location: 12p12.1.
Variant type: single nucleotide variant.
Coding change: c.285-266A>G on transcript NM_020297.4 (MANE Select); 266 bases into the intron before coding-DNA position 285, A replaced by G.
Molecular consequence: intron variant.
Genome position (GRCh38, 1-based): chr12:21,926,329, T>C on the plus strand (A>G on the coding strand, the complement: ABCC9 is on the minus strand). VCF-style: chr12-21926329-T-C. GRCh37 (hg19) VCF-style: chr12-22079263-T-C.
Other names: c.-170-266A>G (NM_001377274.1); c.285-266A>G (NM_005691.4, NM_001377273.1).
Identifiers: ClinVar variation 681234 (VCV000681234.1), dbSNP rs870135, ClinGen allele CA13773127.
Genomic context (GRCh38, chr12:21,926,329, plus strand): 5'-AAGTAAACAACAAAACTATACCTTAAAATGCTTACAAAGAAACAAATGTATAGCTACTCC[T>C]ATACTGTAGGGCAGAGCTGCTGAAATAATTTAAGAACTAAAGCAAGTGAAAACAGTTAAC-3'